The following is an entry in ClinVar:

ClinVar aggregate classification (germline): Likely benign. Review status: criteria provided, multiple submitters, no conflicts (2 of 4 stars). 6 submissions from 6 submitters: Likely benign (6). Last evaluated 2026-09-01.

Allele frequency attached by ClinVar (database versions not stated): gnomAD 0.00021 and 0.00022; ESP Exome Variant Server 0.00024; TOPMed 0.00025; gnomAD exomes 0.00036 and 0.00056; ExAC 0.00046; 1000 Genomes Project 30x 0.00047.
gnomAD v4.1: 840 of 1,613,960 alleles (0.052%); highest among the groups gnomAD compares: Middle Eastern, 0.083%; 1 homozygote.

Submissions (6):

CeGaT Center for Human Genetics Tuebingen
Classification: Likely benign. Last evaluated: 2026-09-01. Review status: criteria provided, single submitter. Criteria: CeGaT Center For Human Genetics Tuebingen Variant Classification Criteria Version 2. Collection method: clinical testing. Allele origin: germline. Affected: yes. Observed: 1 variant allele.
Comment: COL4A4: BP4, BP7

Labcorp Genetics (formerly Invitae), Labcorp
Classification: Likely benign. Last evaluated: 2025-12-31. Review status: criteria provided, single submitter. Criteria: Invitae Variant Classification Sherloc (09022015). Collection method: clinical testing. Allele origin: germline.

Blueprint Genetics
Classification: Likely benign. Last evaluated: 2024-11-08. Review status: criteria provided, single submitter. Criteria: ACMG Guidelines, 2015. Collection method: clinical testing. Allele origin: germline.

GeneDx
Classification: Likely benign. Last evaluated: 2020-11-05. Review status: criteria provided, single submitter. Criteria: GeneDx Variant Classification Process June 2021. Collection method: clinical testing. Allele origin: germline. Affected: yes.

Breakthrough Genomics
Classification: Likely benign. Review status: criteria provided, single submitter. Criteria: ACMG Guidelines, 2015. Collection method: not provided. Allele origin: germline. Inheritance: Autosomal recessive inheritance. Affected: yes.

PreventionGenetics, part of Exact Sciences
Classification: Likely benign. Review status: criteria provided, single submitter. Criteria: ACMG Guidelines, 2015. Collection method: clinical testing. Allele origin: germline.

NM_000092.5(COL4A4):c.4674G>A (p.Ala1558=)

Gene: COL4A4 (collagen type IV alpha 4 chain; minus strand). Cytogenetic location: 2q36.3.
Variant type: single nucleotide variant.
Coding change: c.4674G>A on transcript NM_000092.5 (MANE Select); coding-DNA position 4674, G replaced by A.
Protein change: p.Ala1558=; no amino-acid change (alanine 1558 retained).
Molecular consequence: synonymous variant.
Genome position (GRCh38, 1-based): chr2:227,008,153, C>T on the plus strand (G>A on the coding strand, the complement: COL4A4 is on the minus strand). VCF-style: chr2-227008153-C-T. GRCh37 (hg19) VCF-style: chr2-227872869-C-T.
Identifiers: ClinVar variation 255042 (VCV000255042.17), dbSNP rs373933029, ClinGen allele CA2144099.